The following is an entry in ClinVar:

NM_080680.3(COL11A2):c.4206C>T (p.Gly1402=)

Gene: COL11A2 (collagen type XI alpha 2 chain; minus strand). Cytogenetic location: 6p21.32.
Variant type: single nucleotide variant.
Coding change: c.4206C>T on transcript NM_080680.3 (MANE Select); coding-DNA position 4206, C replaced by T.
Protein change: p.Gly1402=; no amino-acid change (glycine 1402 retained).
Molecular consequence: synonymous variant.
Genome position (GRCh38, 1-based): chr6:33,167,094, G>A on the plus strand (C>T on the coding strand, the complement: COL11A2 is on the minus strand). VCF-style: chr6-33167094-G-A. GRCh37 (hg19) VCF-style: chr6-33134871-G-A.
Other names: c.3885C>T, p.Gly1295= (NM_080679.3); c.3948C>T, p.Gly1316= (NM_080681.3).
Identifiers: ClinVar variation 178925 (VCV000178925.17), dbSNP rs201642192, ClinGen allele CA183323.

ClinVar aggregate classification (germline): Likely benign. Review status: criteria provided, multiple submitters, no conflicts (2 of 4 stars). 5 submissions from 5 submitters: Likely benign (4). 1 of the submissions does not count toward it. Last evaluated 2026-01-18.

Conditions:
COL11A2-related disorder. Also called: COL11A2-related condition; COL11A2-related disorders.

Allele frequency attached by ClinVar (database versions not stated): gnomAD exomes below 0.00001; ExAC 0.00002; TOPMed 0.00002; gnomAD 0.00003; 1000 Genomes Project 30x 0.00016; 1000 Genomes Project 0.00020.
gnomAD v4.1: 53 of 1,613,976 alleles (0.0033%); highest among the groups gnomAD compares: Admixed American, 0.023%; 1 homozygote.

Submissions (5):

Labcorp Genetics (formerly Invitae), Labcorp
Classification: Likely benign. Last evaluated: 2026-01-18. Review status: criteria provided, single submitter. Criteria: Invitae Variant Classification Sherloc (09022015). Collection method: clinical testing. Allele origin: germline.

Blueprint Genetics
Classification: Likely benign. Last evaluated: 2024-11-11. Review status: criteria provided, single submitter. Criteria: ACMG Guidelines, 2015. Collection method: clinical testing. Allele origin: germline.

GeneDx
Classification: Likely benign. Last evaluated: 2021-06-25. Review status: criteria provided, single submitter. Criteria: GeneDx Variant Classification Process June 2021. Collection method: clinical testing. Allele origin: germline. Affected: yes.

Laboratory for Molecular Medicine, Mass General Brigham Personalized Medicine
Classification: Likely benign. Last evaluated: 2013-04-04. Review status: criteria provided, single submitter. Criteria: LMM Criteria. Collection method: clinical testing. Allele origin: germline. Observed: 1 variant allele.
Comment: Gly1402Gly in exon 58 of COL11A2: This variant is not expected to have clinical significance because it does not alter an amino acid residue and is not located within the splice consensus sequence. It has been identified in 0.5% (1/192) of Luhya (Kenyan) chromosomes from a broad population by the 1000 Genomes Project (dbSNP rs201642192).

PreventionGenetics, part of Exact Sciences
Classification: Likely benign for COL11A2-related condition. Last evaluated: 2019-06-20. Review status: no assertion criteria provided. Collection method: clinical testing. Allele origin: germline. Not counted in ClinVar's aggregate classification.
Comment: This variant is classified as likely benign based on ACMG/AMP sequence variant interpretation guidelines (Richards et al. 2015 PMID: 25741868, with internal and published modifications).